The following is an entry in ClinVar:

NM_001903.5(CTNNA1):c.1144-5A>T

Gene: CTNNA1 (catenin alpha 1; plus strand). Cytogenetic location: 5q31.2.
Variant type: single nucleotide variant.
Coding change: c.1144-5A>T on transcript NM_001903.5 (MANE Select); 5 bases into the intron before coding-DNA position 1144, A replaced by T.
Molecular consequence: intron variant.
Genome position (GRCh38, 1-based): chr5:138,887,485, A>T. VCF-style: chr5-138887485-A-T. GRCh37 (hg19) VCF-style: chr5-138223174-A-T.
Other names: c.1144-5A>T (NM_001903.2, NM_001323982.2, NM_001323984.2 and 4 more transcripts); c.775-5A>T (NM_001290310.3); c.835-5A>T (NM_001290309.3); c.34-5A>T (NM_001323996.1, NM_001323993.1, NM_001324005.1 and 18 more transcripts); c.-364-5A>T (NM_001324007.1, NM_001324009.1, NM_001324006.1 and 1 more transcripts); c.-239-5A>T (NM_001324013.1); c.-58+11888A>T (NM_001324012.1); c.-61+11888A>T (NM_001324010.1).
Identifiers: ClinVar variation 4708571 (VCV004708571.2).

ClinVar aggregate classification (germline): Conflicting classifications of pathogenicity. Review status: criteria provided, conflicting classifications (1 of 4 stars). 2 submissions from 2 submitters: Uncertain significance (1); Likely benign (1). Last evaluated 2026-01-15.

Conditions:
Hereditary cancer-predisposing syndrome. Also called: Neoplastic Syndromes, Hereditary; Tumor predisposition; Hereditary Cancer Syndrome; Hereditary neoplastic syndrome. Identifiers: Orphanet 140162, MedGen C0027672, MeSH D009386, MONDO:0015356.

Submissions (2):

Ambry Genetics
Classification: Uncertain significance for Hereditary cancer-predisposing syndrome. Last evaluated: 2026-01-15. Review status: criteria provided, single submitter. Criteria: Ambry Variant Classification Scheme 2023. Collection method: clinical testing. Allele origin: germline.
Comment: The c.1144-5A>T intronic variant results from an A to T substitution 5 nucleotides upstream from coding exon 8 in the CTNNA1 gene. This nucleotide position is well conserved in available vertebrate species. In silico splice site analysis predicts that this alteration will not have any significant effect on splicing. Based on the available evidence, the clinical significance of this variant remains unclear.

Labcorp Genetics (formerly Invitae), Labcorp
Classification: Likely benign. Last evaluated: 2025-04-17. Review status: criteria provided, single submitter. Criteria: Invitae Variant Classification Sherloc (09022015). Collection method: clinical testing. Allele origin: germline.